The following is an entry in ClinVar:

NM_000019.4(ACAT1):c.869dup (p.Ala291fs)

Gene: ACAT1 (acetyl-CoA acetyltransferase 1; plus strand). Cytogenetic location: 11q22.3.
Variant type: Duplication.
Coding change: c.869dup on transcript NM_000019.4 (MANE Select); coding-DNA position 869, one base duplicated (C; older notation c.869dupC).
Protein change: p.Ala291fs; shifts the reading frame from alanine 291.
Molecular consequence: frameshift variant. On other transcripts: non-coding transcript variant (2).
Genome position (GRCh38, 1-based): chr11:108,142,479, C duplicated. VCF-style (leftmost placement, unchanged base first): chr11-108142478-G-GC. GRCh37 (hg19) VCF-style: chr11-108013205-G-GC.
Other names: c.869dup, p.Ala291fs (NM_001386677.1); c.554dup, p.Ala186fs (NM_001386678.1); c.572dup, p.Ala192fs (NM_001386679.1); c.599dup, p.Ala201fs (NM_001386681.1, NM_001386682.1, NM_001386685.1 and 6 more transcripts); short protein forms A192fs, A291fs, A186fs, A201fs.
Identifiers: ClinVar variation 2771680 (VCV002771680.3), dbSNP rs2496636315, ClinGen allele CA2697548953.
Genomic context (GRCh38, chr11:108,142,478, plus strand): 5'-ACCTCATTTTTGCTTTCAGGCACAGTAACAGCTGCCAATGCCAGTACACTGAATGATGGA[G>GC]CAGCTGCTCTGGTTCTCATGACGGCAGATGCAGCGAAGAGGCTCAATGTTACACCACTGG-3'

ClinVar aggregate classification (germline): Pathogenic (1 of 4 stars; one submission).

Conditions:
Deficiency of acetyl-CoA acetyltransferase. Also called: MITOCHONDRIAL ACETOACETYL-CoA THIOLASE DEFICIENCY; Beta-ketothiolase deficiency; 3-KETOTHIOLASE DEFICIENCY; 3-OXOTHIOLASE DEFICIENCY. Identifiers: Orphanet 134, MedGen C1536500, MONDO:0008760, OMIM 203750. Disease mechanism: loss of function.

Submission:

Labcorp Genetics (formerly Invitae), Labcorp
Classification: Pathogenic for Deficiency of acetyl-CoA acetyltransferase. Last evaluated: 2023-10-24. Review status: criteria provided, single submitter. Criteria: Invitae Variant Classification Sherloc (09022015). Collection method: clinical testing. Allele origin: germline.
Comment: This sequence change creates a premature translational stop signal (p.Ala291Serfs*27) in the ACAT1 gene. It is expected to result in an absent or disrupted protein product. Loss-of-function variants in ACAT1 are known to be pathogenic (PMID: 7749408). This variant is not present in population databases (gnomAD no frequency). This variant has not been reported in the literature in individuals affected with ACAT1-related conditions. For these reasons, this variant has been classified as Pathogenic.

Literature cited by the submitters: PubMed 7749408.